The following is an entry in ClinVar:

ClinVar aggregate classification (germline): Likely pathogenic (1 of 4 stars; one submission).

Conditions:
Intrinsic cardiomyopathy. Identifiers: MedGen CN305117, MONDO:0000591.

Submission:

Victorian Clinical Genetics Services, Murdoch Childrens Research Institute
Classification: Likely pathogenic for Intrinsic cardiomyopathy. Last evaluated: 2024-09-09. Review status: criteria provided, single submitter. Criteria: ACMG Guidelines, 2015. Collection method: clinical testing. Allele origin: germline. Affected: yes.
Comment: This variant is classified as Likely Pathogenic. Evidence in support of pathogenic classification: Intragenic copy number variant resulting in an out of frame deletion of exons 5 to 6 (of 21) and is predicted to cause nonsense-mediated decay (NMD) and loss of protein (premature termination codon is located at least 54 nucleotides upstream of the final exon-exon junction). Additional information: Loss of function is a known mechanism of disease in this gene and is associated with intrinsic cardiomyopathy (MONDO:0000591), ACTN2-related (OMIM, ClinGen). Loss of function has been demonstrated as a disease mechanism associated with missense variants, while dominant negative has also been suggested and associated with an in-frame deletion (PMID: 34802252). Additionally, loss of function is a likely mechanism of disease for null variants. This gene is associated with autosomal dominant disease. This variant is heterozygous. Variant is absent from gnomAD (SV v2, v4 and CNVs v4). Other NMD-predicted variants comparable to the one identified in this case have conflicting previous evidence for pathogenicity. Other NMD-predicted variants in this gene have been classified as VUS, likely pathogenic and pathogenic, and have been identified in individuals with hypertrophic cardiomyopathy, non-compaction cardiomyopathy, dilated cardiomyopathy and mitral valve prolapse (ClinVar, reviewed by PMID: 36116040, PMID: 32973354, PMID: 33500567, PMID: 28436997, PMID: 31333075). Additionally, there is an enrichment of truncating variants in cohorts with left ventricular noncompaction cardiomyopathy (PMID: 33500567). This variant has no previous evidence of pathogenicity. No published segregation evidence has been identified for this variant. No published functional evidence has been identified for this variant.

NM_001103.4(ACTN2):c.448+1115_615+666del

Gene: ACTN2 (actinin alpha 2; plus strand). Cytogenetic location: 1q43.
Variant type: Deletion.
Coding change: c.448+1115_615+666del on transcript NM_001103.4 (MANE Select); 1115 bases into the intron after coding-DNA position 448 through 666 bases into the intron after coding-DNA position 615, 7,117 bases deleted.
Molecular consequence: splice acceptor variant, splice donor variant.
Genome position (GRCh38, 1-based): chr1:236,721,306-236,728,422, 7,117 bases deleted. GRCh37 (hg19): chr1:236,884,606-236,891,722.
Other names: c.448+1115_615+666del (NM_001278343.2).
Identifiers: ClinVar variation 4528932 (VCV004528932.1).